The following is an entry in ClinVar:

ClinVar aggregate classification (germline): Pathogenic (1 of 4 stars; one submission).

Submission:

Labcorp Genetics (formerly Invitae), Labcorp
Classification: Pathogenic. Last evaluated: 2023-12-18. Review status: criteria provided, single submitter. Criteria: Invitae Variant Classification Sherloc (09022015). Collection method: clinical testing. Allele origin: germline.
Comment: This variant is a gross deletion of the genomic region encompassing exon(s) 7-9 of the POP1 gene. This deletion is out-of-frame, and is expected to create a premature termination codon and result in an absent or disrupted protein product. Loss-of-function variants in POP1 are known to be pathogenic (PMID: 21455487). This variant has not been reported in the literature in individuals affected with POP1-related conditions. For these reasons, this variant has been classified as Pathogenic.

Literature cited by the submitters: PubMed 21455487.

NC_000008.10:g.(?_99146680)_(99149202_?)del

Gene: POP1 (POP1 homolog, ribonuclease P/MRP subunit; plus strand). Cytogenetic location: 8q22.2.
Variant type: Deletion.
Identifiers: ClinVar variation 1443334 (VCV001443334.4).